The following is an entry in ClinVar:

NM_024876.4(COQ8B):c.490+17G>A

Gene: COQ8B (coenzyme Q8B; minus strand). Cytogenetic location: 19q13.2.
Variant type: single nucleotide variant.
Coding change: c.490+17G>A on transcript NM_024876.4 (MANE Select); 17 bases into the intron after coding-DNA position 490, G replaced by A.
Molecular consequence: intron variant.
Genome position (GRCh38, 1-based): chr19:40,705,308, C>T on the plus strand (G>A on the coding strand, the complement: COQ8B is on the minus strand). VCF-style: chr19-40705308-C-T. GRCh37 (hg19) VCF-style: chr19-41211213-C-T.
Other names: c.368-127G>A (NM_001142555.3).
Identifiers: ClinVar variation 518139 (VCV000518139.4), dbSNP rs751178358, ClinGen allele CA9450405.

ClinVar aggregate classification (germline): Likely benign. Review status: criteria provided, multiple submitters, no conflicts (2 of 4 stars). 2 submissions from 2 submitters: Likely benign (2). Last evaluated 2025-10-26.

Allele frequency attached by ClinVar (database versions not stated): gnomAD 0.00003 and 0.00004; TOPMed 0.00008; ExAC 0.00009; gnomAD exomes 0.00009.
gnomAD v4.1: 190 of 1,585,386 alleles (0.012%); highest among the groups gnomAD compares: Admixed American, 0.036%; no homozygotes.

Submissions (2):

Labcorp Genetics (formerly Invitae), Labcorp
Classification: Likely benign. Last evaluated: 2025-10-26. Review status: criteria provided, single submitter. Criteria: Invitae Variant Classification Sherloc (09022015). Collection method: clinical testing. Allele origin: germline.

GeneDx
Classification: Likely benign. Last evaluated: 2017-07-03. Review status: criteria provided, single submitter. Criteria: GeneDx Variant Classification (06012015). Collection method: clinical testing. Allele origin: germline. Affected: yes.
Comment: This variant is considered likely benign or benign based on one or more of the following criteria: it is a conservative change, it occurs at a poorly conserved position in the protein, it is predicted to be benign by multiple in silico algorithms, and/or has population frequency not consistent with disease.